The following is an entry in ClinVar:

NM_000088.4(COL1A1):c.3009_3016del (p.Gly1004fs)

Gene: COL1A1 (collagen type I alpha 1 chain; minus strand). Cytogenetic location: 17q21.33.
Variant type: Deletion.
Coding change: c.3009_3016del on transcript NM_000088.4 (MANE Select); coding-DNA positions 3009 to 3016, 8 bases deleted (TGGATTGG; older notation c.3009_3016delTGGATTGG).
Protein change: p.Gly1004fs; shifts the reading frame from glycine 1004.
Molecular consequence: frameshift variant.
Genome position (GRCh38, 1-based): chr17:50,188,932-50,188,939, CCAATCCA deleted on the plus strand (TGGATTGG on the coding strand, the reverse complement: COL1A1 is on the minus strand). VCF-style (leftmost placement, unchanged base first): chr17-50188931-GCCAATCCA-G. GRCh37 (hg19) VCF-style: chr17-48266292-GCCAATCCA-G.
Other names: c.3009_3016del8 (NM_000088.3); short protein forms G1004fs.
Identifiers: ClinVar variation 3345163 (VCV003345163.3).

ClinVar aggregate classification (germline): Pathogenic. Review status: criteria provided, single submitter (1 of 4 stars). 2 submissions from 2 submitters: Pathogenic (1). 1 of the submissions does not count toward it. Last evaluated 2024-11-27.

Conditions:
COL1A1-related disorder. Also called: COL1A1- related disease; COL1A1-related condition.
Osteogenesis imperfecta type I (OI1). Also called: OI, TYPE I; OSTEOGENESIS IMPERFECTA TARDA; OSTEOGENESIS IMPERFECTA WITH BLUE SCLERAE; Osteogenesis imperfecta type 1; Lobstein's Disease; Lobstein disease. Identifiers: Orphanet 216796, Orphanet 666, MedGen C0023931, MONDO:0008146, OMIM 166200. Disease mechanism: loss of function.

Submissions (2):

Labcorp Genetics (formerly Invitae), Labcorp
Classification: Pathogenic for Osteogenesis imperfecta type I. Last evaluated: 2024-11-27. Review status: criteria provided, single submitter. Criteria: Invitae Variant Classification Sherloc (09022015). Collection method: clinical testing. Allele origin: germline.
Comment: This sequence change creates a premature translational stop signal (p.Gly1004Trpfs*5) in the COL1A1 gene. It is expected to result in an absent or disrupted protein product. Loss-of-function variants in COL1A1 are known to be pathogenic (PMID: 7942841, 9295084, 9443882). This variant is not present in population databases (gnomAD no frequency). This variant has not been reported in the literature in individuals affected with COL1A1-related conditions. For these reasons, this variant has been classified as Pathogenic.

PreventionGenetics, part of Exact Sciences
Classification: Likely pathogenic for COL1A1-related condition. Last evaluated: 2024-09-12. Review status: no assertion criteria provided. Collection method: clinical testing. Allele origin: germline. Not counted in ClinVar's aggregate classification.
Comment: The COL1A1 c.3009_3016del8 variant is predicted to result in a frameshift and premature protein termination (p.Gly1004Trpfs*5). To our knowledge, this variant has not been reported in the literature or in a large population database, indicating this variant is rare. Frameshift variants in COL1A1 are expected to be pathogenic. This variant is interpreted as likely pathogenic.

Literature cited by the submitters: PubMed 7942841 (cited by Labcorp Genetics (formerly Invitae), Labcorp); PubMed 9295084 (cited by Labcorp Genetics (formerly Invitae), Labcorp); PubMed 9443882 (cited by Labcorp Genetics (formerly Invitae), Labcorp).